The following is an entry in ClinVar:

NM_000890.5(KCNJ5):c.1163dup (p.Cys389fs)

Gene: KCNJ5 (potassium inwardly rectifying channel subfamily J member 5; plus strand). Cytogenetic location: 11q24.3.
Variant type: Duplication.
Coding change: c.1163dup on transcript NM_000890.5 (MANE Select); coding-DNA position 1163, one base duplicated (G; older notation c.1163dupG).
Protein change: p.Cys389fs; shifts the reading frame from cysteine 389.
Molecular consequence: frameshift variant.
Genome position (GRCh38, 1-based): chr11:128,916,634, G duplicated; the last of 6 consecutive G bases (chr11:128,916,629-128,916,634); duplicating any one gives the same sequence. VCF-style (leftmost placement, unchanged base first): chr11-128916628-T-TG. GRCh37 (hg19) VCF-style: chr11-128786523-T-TG.
Other names: c.1158dupG (NM_000890.5); c.1163dup, p.Cys389fs (NM_001354169.2); short protein forms C389fs.
Identifiers: ClinVar variation 1690880 (VCV001690880.4), dbSNP rs1944587149, ClinGen allele CA943430883.

ClinVar aggregate classification (germline): Uncertain significance. Review status: criteria provided, multiple submitters, no conflicts (2 of 4 stars). 2 submissions from 2 submitters: Uncertain significance (2). Last evaluated 2024-11-16.

Conditions:
Long QT syndrome (LQTS). Identifiers: MedGen C0023976, MeSH D008133, MONDO:0002442. Disease mechanism: loss of function. Inheritance: Various modes of inheritance.

Submissions (2):

Labcorp Genetics (formerly Invitae), Labcorp
Classification: Uncertain significance for Long QT syndrome. Last evaluated: 2024-11-16. Review status: criteria provided, single submitter. Criteria: Invitae Variant Classification Sherloc (09022015). Collection method: clinical testing. Allele origin: germline.
Comment: This sequence change creates a premature translational stop signal (p.Cys389Leufs*3) in the KCNJ5 gene. While this is not anticipated to result in nonsense mediated decay, it is expected to disrupt the last 31 amino acid(s) of the KCNJ5 protein. This variant is not present in population databases (gnomAD no frequency). This variant has not been reported in the literature in individuals affected with KCNJ5-related conditions. ClinVar contains an entry for this variant (Variation ID: 1690880). In summary, the available evidence is currently insufficient to determine the role of this variant in disease. Therefore, it has been classified as a Variant of Uncertain Significance.

Laboratorio de Genetica e Diagnostico Molecular, Hospital Israelita Albert Einstein
Classification: Uncertain significance. Last evaluated: 2020-05-04. Review status: criteria provided, single submitter. Criteria: ACMG Guidelines, 2015. Collection method: clinical testing. Allele origin: germline. Affected: yes.
Comment: ACMG classification criteria: PM2, PP3